The following is an entry in ClinVar:

ClinVar aggregate classification (germline): Uncertain significance. Review status: criteria provided, multiple submitters, no conflicts (2 of 4 stars). 2 submissions from 2 submitters: Uncertain significance (2). Last evaluated 2025-11-04.

Conditions:
Hereditary cancer-predisposing syndrome. Also called: Hereditary neoplastic syndrome; Hereditary Cancer Syndrome; Neoplastic Syndromes, Hereditary; Tumor predisposition. Identifiers: Orphanet 140162, MedGen C0027672, MeSH D009386, MONDO:0015356.
Familial cancer of breast. Also called: Hereditary breast cancer; BREAST CANCER, FAMILIAL; hereditary breast carcinoma. Identifiers: Orphanet 227535, MedGen C0346153, MONDO:0016419, OMIM 114480. Disease mechanism: loss of function.

Submissions (2):

Ambry Genetics
Classification: Uncertain significance for Hereditary cancer-predisposing syndrome. Last evaluated: 2025-11-04. Review status: criteria provided, single submitter. Criteria: Ambry Variant Classification Scheme 2023. Collection method: clinical testing. Allele origin: germline.
Comment: The c.409_410delCGinsTC variant (also known as p.R137S), located in coding exon 2 of the CHEK2 gene, results from an in-frame deletion of CG and insertion of TC at nucleotide positions 409 to 410. This results in the substitution of the arginine residue for a serine residue at codon 137, an amino acid with dissimilar properties. This amino acid position is not well conserved in available vertebrate species. In addition, this variant is predicted to be neutral by in silico analysis (Choi Y et al. PLoS ONE. 2012; 7(10):e46688). Based on the available evidence, the clinical significance of this variant remains unclear.

Labcorp Genetics (formerly Invitae), Labcorp
Classification: Uncertain significance for Familial cancer of breast. Last evaluated: 2022-02-11. Review status: criteria provided, single submitter. Criteria: Invitae Variant Classification Sherloc (09022015). Collection method: clinical testing. Allele origin: germline.
Comment: In summary, the available evidence is currently insufficient to determine the role of this variant in disease. Therefore, it has been classified as a Variant of Uncertain Significance. Algorithms developed to predict the effect of missense changes on protein structure and function are either unavailable or do not agree on the potential impact of this missense change (SIFT: "Not Available"; PolyPhen-2: "Benign"; Align-GVGD: "Not Available"). ClinVar contains an entry for this variant (Variation ID: 229688). This variant has not been reported in the literature in individuals affected with CHEK2-related conditions. Information on the frequency of this variant in the gnomAD database is not available, as this variant may be reported differently in the database. This sequence change replaces arginine, which is basic and polar, with serine, which is neutral and polar, at codon 137 of the CHEK2 protein (p.Arg137Ser).

NM_007194.4(CHEK2):c.409_410delinsTC (p.Arg137Ser)

Gene: CHEK2 (checkpoint kinase 2; minus strand). Cytogenetic location: 22q12.1.
Variant type: Indel.
Coding change: c.409_410delinsTC on transcript NM_007194.4 (MANE Select); coding-DNA positions 409 to 410, CG replaced by TC.
Protein change: p.Arg137Ser; replaces arginine 137 with serine.
Molecular consequence: missense variant.
Genome position (GRCh38, 1-based): chr22:28,725,277-28,725,278, CG replaced by GA on the plus strand (CG replaced by TC on the coding strand, the reverse complement: CHEK2 is on the minus strand). VCF-style: chr22-28725277-CG-GA. GRCh37 (hg19) VCF-style: chr22-29121265-CG-GA.
Other names: c.538_539delCGinsTC, p.Arg180Ser (NM_001005735.3); c.-369_-368delCGinsTC (NM_001257387.3); c.409_410delCGinsTC, p.Arg137Ser (NM_001349956.3, NM_145862.3); short protein forms R180S, R137S.
Identifiers: ClinVar variation 229688 (VCV000229688.11), dbSNP rs876658143, ClinGen allele CA10581099.